The following is an entry in ClinVar:

ClinVar aggregate classification (germline): Uncertain significance. Review status: criteria provided, multiple submitters, no conflicts (2 of 4 stars). 3 submissions from 3 submitters: Uncertain significance (3). Last evaluated 2026-01-27.

Conditions:
Amyotrophic lateral sclerosis type 4 (ALS4). Also called: NEURONOPATHY, DISTAL HEREDITARY MOTOR, WITH PYRAMIDAL FEATURES; AMYOTROPHIC LATERAL SCLEROSIS 4, JUVENILE. Identifiers: Orphanet 357043, MedGen C1865409, MONDO:0011223, OMIM 602433.
Spinocerebellar ataxia, autosomal recessive, with axonal neuropathy 2 (SCAN2). Also called: Ataxia with Oculomotor Apraxia; Ataxia with Oculomotor Apraxia Type 2; Ataxia-ocular apraxia-2; ATAXIA-OCULOMOTOR APRAXIA 2. Identifiers: Orphanet 64753, MedGen C1853761, MONDO:0018996, OMIM 606002.
SETX-related disorder. Also called: SETX-related condition; SETX-related disorders. Identifiers: MedGen CN239403.

Submissions (3):

PreventionGenetics, part of Exact Sciences
Classification: Uncertain significance for SETX-related condition. Last evaluated: 2026-01-27. Review status: criteria provided, single submitter. Criteria: ACMG Guidelines, 2015. Collection method: clinical testing. Allele origin: germline.
Comment: The SETX c.2724_2726delGAA variant is predicted to result in an in-frame deletion (p.Lys909del). To our knowledge, this variant has not been reported in the literature. This variant is reported in 0.043% of alleles in individuals of Latino descent in gnomAD. At this time, the clinical significance of this variant is uncertain due to the absence of conclusive functional and genetic evidence.

Labcorp Genetics (formerly Invitae), Labcorp
Classification: Uncertain significance for Amyotrophic lateral sclerosis type 4; Spinocerebellar ataxia, autosomal recessive, with axonal neuropathy 2. Last evaluated: 2024-03-18. Review status: criteria provided, single submitter. Criteria: Invitae Variant Classification Sherloc (09022015). Collection method: clinical testing. Allele origin: germline.
Comment: This variant, c.2724_2726del, results in the deletion of 1 amino acid(s) of the SETX protein (p.Lys909del), but otherwise preserves the integrity of the reading frame. This variant is present in population databases (rs751044720, gnomAD 0.04%). This variant has not been reported in the literature in individuals affected with SETX-related conditions. ClinVar contains an entry for this variant (Variation ID: 1807025). Experimental studies and prediction algorithms are not available or were not evaluated, and the functional significance of this variant is currently unknown. In summary, the available evidence is currently insufficient to determine the role of this variant in disease. Therefore, it has been classified as a Variant of Uncertain Significance.

Athena Diagnostics
Classification: Uncertain significance. Last evaluated: 2022-02-16. Review status: criteria provided, single submitter. Criteria: Athena Diagnostics Criteria. Collection method: clinical testing. Allele origin: unknown.

NM_015046.7(SETX):c.2721GAA[1] (p.Lys909del)

Gene: SETX (senataxin; minus strand). Cytogenetic location: 9q34.13.
Variant type: Microsatellite.
Coding change: c.2721GAA[1] on transcript NM_015046.7 (MANE Select); one copy of the 3-base unit GAA starting at c.2721; the reference has two copies in a row; one copy, 3 bases deleted; also written c.2724_2726del.
Protein change: p.Lys909del; deletes lysine 909.
Molecular consequence: inframe deletion. On other transcripts: frameshift variant (2).
Genome position (GRCh38, 1-based): chr9:132,328,872-132,328,874, TTC deleted on the plus strand (GAA on the coding strand, the reverse complement: SETX is on the minus strand); deleting any 3 consecutive bases within chr9:132,328,872-132,328,878 gives the same sequence; the position shown is the placement nearest the transcript's 3' end. VCF-style (leftmost placement, unchanged base first): chr9-132328871-TTTC-T. GRCh37 (hg19) VCF-style: chr9-135204258-TTTC-T.
Other names: c.2721GAA[1], p.Lys909del (NM_001351527.2, NM_001351528.2); c.2724_2726delGAA (NM_015046.5); c.2718_2720AGA[1], p.Lys908Ilefs (NM_015046.5); c.2724_2726del (NM_015046.5); short protein forms K909del.
Identifiers: ClinVar variation 1807025 (VCV001807025.5), dbSNP rs751044720, ClinGen allele CA5297544.